The following is an entry in ClinVar:

ClinVar aggregate classification (germline): Uncertain significance. Review status: criteria provided, multiple submitters, no conflicts (2 of 4 stars). 2 submissions from 2 submitters: Uncertain significance (2). Last evaluated 2026-07-15.

Conditions:
FHOD3-related disorder. Also called: FHOD3-related condition.
Cardiovascular phenotype. Identifiers: MedGen CN230736.

gnomAD v4.1: 73 of 1,535,678 alleles (0.0048%); highest among the groups gnomAD compares: African/African-American, 0.081%; no homozygotes.

Submissions (2):

PreventionGenetics, part of Exact Sciences
Classification: Uncertain significance for FHOD3-related condition. Last evaluated: 2026-07-15. Review status: criteria provided, single submitter. Criteria: ACMG Guidelines, 2015. Collection method: clinical testing. Allele origin: germline.
Comment: The FHOD3 c.1258G>A variant is predicted to result in the amino acid substitution p.Asp420Asn. To our knowledge, this variant has not been reported in the literature. This variant is reported in 0.079% of alleles in individuals of African descent in gnomAD. Although we suspect that this variant may be benign, at this time, the clinical significance of this variant is uncertain due to the absence of conclusive functional and genetic evidence.

Molecular Diagnostic Laboratory for Inherited Cardiovascular Disease, Montreal Heart Institute
Classification: Uncertain significance for Cardiovascular phenotype. Last evaluated: 2025-04-09. Review status: criteria provided, single submitter. Criteria: ACMG Guidelines, 2015. Collection method: clinical testing. Allele origin: germline. Affected: yes.

NM_001281740.3(FHOD3):c.1258G>A (p.Asp420Asn)

Gene: FHOD3 (formin homology 2 domain containing 3; plus strand). Cytogenetic location: 18q12.2.
Variant type: single nucleotide variant.
Coding change: c.1258G>A on transcript NM_001281740.3 (MANE Select); coding-DNA position 1258, G replaced by A.
Protein change: p.Asp420Asn; replaces aspartic acid 420 with asparagine.
Molecular consequence: missense variant. On other transcripts: intron variant (2).
Genome position (GRCh38, 1-based): chr18:36,649,377, G>A. VCF-style: chr18-36649377-G-A. GRCh37 (hg19) VCF-style: chr18-34229340-G-A.
Other names: c.1258G>A (NM_001281740.2); c.1197-8698G>A (NM_025135.5, NM_001281739.3); short protein forms D420N.
Identifiers: ClinVar variation 3895412 (VCV003895412.2), dbSNP rs112008345.